The following is an entry in ClinVar:

ClinVar aggregate classification (germline): Likely benign (1 of 4 stars; one submission).

gnomAD v4.1: 158 of 1,583,964 alleles (0.01%); highest among the groups gnomAD compares: South Asian, 0.11%; 2 homozygotes.

Submission:

CeGaT Center for Human Genetics Tuebingen
Classification: Likely benign. Last evaluated: 2026-08-01. Review status: criteria provided, single submitter. Criteria: CeGaT Center For Human Genetics Tuebingen Variant Classification Criteria Version 2. Collection method: clinical testing. Allele origin: germline. Affected: yes. Observed: 1 variant allele.
Comment: MUC5B: BP4, BP7

NM_002458.3(MUC5B):c.8712C>T (p.Ala2904=)

Genes: MUC5B (mucin 5B, oligomeric mucus/gel-forming; plus strand), MUC5B-AS1 (MUC5B antisense RNA 1; minus strand). Cytogenetic location: 11p15.5.
Variant type: single nucleotide variant.
Coding change: c.8712C>T on transcript NM_002458.3 (MANE Select); coding-DNA position 8712, C replaced by T.
Protein change: p.Ala2904=; no amino-acid change (alanine 2904 retained).
Molecular consequence: synonymous variant.
Genome position (GRCh38, 1-based): chr11:1,245,592, C>T. VCF-style: chr11-1245592-C-T. GRCh37 (hg19) VCF-style: chr11-1266822-C-T.
Identifiers: ClinVar variation 5039305 (VCV005039305.1).
Genomic context (GRCh38, chr11:1,245,592, plus strand): 5'-CTACCCCATGCCGGGGCCCTCTGGCGGGGACTTTGACACCTACTCCAACATCCGTGCGGC[C>T]GGAGGGGCCGTCTGTGAGCAGCCCCTGGGCCTCGAGTGCCGTGCCCAGGCCCAGCCTGGT-3'
Protein context (NP_002449.2, residues 2894-2914): DFDTYSNIRA[Ala2904=]GGAVCEQPLG